The following is an entry in ClinVar:

ClinVar aggregate classification (germline): Pathogenic (1 of 4 stars; one submission).

Conditions:
Atypical hemolytic-uremic syndrome. Identifiers: Orphanet 2134, MedGen C2931788, MONDO:0016244.

gnomAD v4.1: 1 of 1,614,102 alleles (0.000062%); highest among the groups gnomAD compares: Non-Finnish European, 0.000085%; no homozygotes.

Submission:

Genomenon, Inc
Classification: Pathogenic for Atypical hemolytic-uremic syndrome. Last evaluated: 2025-10-02. Review status: criteria provided, single submitter. Criteria: Genomenon Sequence Variant Interpretation Standards - Updated. Collection method: curation. Allele origin: germline. Affected: yes.
Comment: CFH p.Cys1032Ter (c.3096C>A) is a nonsense variant that introduces a premature stop codon at amino acid position 1032, creating a truncated protein that is predicted to undergo nonsense-mediated mRNA decay. This variant has been observed in at least one proband affected with atypical hemolytic-uremic syndrome (PMID:32734241;36275662;31791575). It is absent or not present at a significant frequency in gnomAD. In conclusion, we classify CFH p.Cys1032Ter (c.3096C>A) as a pathogenic variant.

Literature cited by the submitters: PubMed 32734241; PubMed 36275662; PubMed 31791575.

NM_000186.4(CFH):c.3096C>A (p.Cys1032Ter)

Gene: CFH (complement factor H; plus strand). Cytogenetic location: 1q31.3.
Variant type: single nucleotide variant.
Coding change: c.3096C>A on transcript NM_000186.4 (MANE Select); coding-DNA position 3096, C replaced by A.
Protein change: p.Cys1032Ter; replaces cysteine 1032 with a stop codon.
Molecular consequence: nonsense.
Genome position (GRCh38, 1-based): chr1:196,742,014, C>A. VCF-style: chr1-196742014-C-A. GRCh37 (hg19) VCF-style: chr1-196711144-C-A.
Other names: short protein forms C1032*.
Identifiers: ClinVar variation 4291534 (VCV004291534.1).
Genomic context (GRCh38, chr1:196,742,014, plus strand): 5'-GCAAGTGACTTACACTTGTGCAACATATTACAAAATGGATGGAGCCAGTAATGTAACATG[C>A]ATTAATAGCAGATGGACAGGAAGGCCAACATGCAGAGGTACTTTGGTGAATTTTCAAAAT-3'